The following is an entry in ClinVar:

ClinVar aggregate classification (germline): Likely pathogenic (1 of 4 stars; one submission).

Submission:

GeneDx
Classification: Likely pathogenic. Last evaluated: 2024-12-09. Review status: criteria provided, single submitter. Criteria: GeneDx Variant Classification Process June 2021. Collection method: clinical testing. Allele origin: germline.
Comment: Frameshift variant predicted to result in abnormal protein length as the last 83 amino acids are replaced with 11 different amino acids, and other similar variants have been reported in HGMD; Not observed at significant frequency in large population cohorts (gnomAD); This variant is associated with the following publications: (PMID: 32542393, 34586554)

NM_001167.4(XIAP):c.1239_1242dup (p.Val415fs)

Gene: XIAP (X-linked inhibitor of apoptosis; plus strand). Cytogenetic location: Xq25.
Variant type: Duplication.
Coding change: c.1239_1242dup on transcript NM_001167.4 (MANE Select); coding-DNA positions 1239 to 1242, 4 bases duplicated (TCTA; older notation c.1239_1242dupTCTA).
Protein change: p.Val415fs; shifts the reading frame from valine 415.
Molecular consequence: frameshift variant. On other transcripts: non-coding transcript variant (2).
Genome position (GRCh38, 1-based): chrX:123,900,632-123,900,635, TCTA duplicated; duplicating any 4 consecutive bases within chrX:123,900,631-123,900,635 gives the same sequence; the c. name uses the placement nearest the transcript's 3' end. VCF-style (leftmost placement, unchanged base first): chrX-123900630-G-GATCT. GRCh37 (hg19) VCF-style: chrX-123034480-G-GATCT.
Other names: c.1239_1242dup, p.Val415fs (NM_001204401.2, NM_001378590.1, NM_001378591.1 and 1 more transcripts); short protein forms V415fs.
Identifiers: ClinVar variation 3343720 (VCV003343720.2).